The following is an entry in ClinVar:

NM_198578.4(LRRK2):c.1940A>C (p.Lys647Thr)

Gene: LRRK2 (leucine rich repeat kinase 2; plus strand). Cytogenetic location: 12q12.
Variant type: single nucleotide variant.
Coding change: c.1940A>C on transcript NM_198578.4 (MANE Select); coding-DNA position 1940, A replaced by C.
Protein change: p.Lys647Thr; replaces lysine 647 with threonine.
Molecular consequence: missense variant.
Genome position (GRCh38, 1-based): chr12:40,274,992, A>C. VCF-style: chr12-40274992-A-C. GRCh37 (hg19) VCF-style: chr12-40668794-A-C.
Other names: short protein forms K647T.
Identifiers: ClinVar variation 1783047 (VCV001783047.2), dbSNP rs2499625814, ClinGen allele CA384403846.

ClinVar aggregate classification (germline): Uncertain significance (1 of 4 stars; one submission).

Conditions:
Inborn genetic diseases. Identifiers: MedGen C0950123, MeSH D030342.

gnomAD v4.1: 2 of 1,613,868 alleles (0.00012%); no homozygotes.

Submission:

Ambry Genetics
Classification: Uncertain significance for Inborn genetic diseases. Last evaluated: 2021-07-12. Review status: criteria provided, single submitter. Criteria: Ambry Variant Classification Scheme 2023. Collection method: clinical testing. Allele origin: germline.
Comment: The p.K647T variant (also known as c.1940A>C), located in coding exon 16 of the LRRK2 gene, results from an A to C substitution at nucleotide position 1940. The lysine at codon 647 is replaced by threonine, an amino acid with similar properties. This amino acid position is conserved. In addition, this alteration is predicted to be tolerated by in silico analysis. Since supporting evidence is limited at this time, the clinical significance of this alteration remains unclear.